The following is an entry in ClinVar:

NM_198129.4(LAMA3):c.7695_7702del (p.Asp2565fs)

Gene: LAMA3 (laminin subunit alpha 3; plus strand). Cytogenetic location: 18q11.2.
Variant type: Deletion.
Coding change: c.7695_7702del on transcript NM_198129.4 (MANE Select); coding-DNA positions 7695 to 7702, 8 bases deleted (TGACCTCA; older notation c.7695_7702delTGACCTCA).
Protein change: p.Asp2565fs; shifts the reading frame from aspartic acid 2565.
Molecular consequence: frameshift variant.
Genome position (GRCh38, 1-based): chr18:23,915,339-23,915,346, TGACCTCA deleted; deleting any 8 consecutive bases within chr18:23,915,338-23,915,346 gives the same sequence; the c. name uses the placement nearest the transcript's 3' end. VCF-style (leftmost placement, unchanged base first): chr18-23915337-GATGACCTC-G. GRCh37 (hg19) VCF-style: chr18-21495301-GATGACCTC-G.
Other names: c.2868_2875del, p.Asp956fs (NM_000227.6); c.7527_7534del, p.Asp2509fs (NM_001127717.4); c.2700_2707del, p.Asp900fs (NM_001127718.4); short protein forms D2509fs, D2565fs, D900fs, D956fs.
Identifiers: ClinVar variation 2630249 (VCV002630249.1), dbSNP rs2511472252, ClinGen allele CA2695200388.

ClinVar aggregate classification (germline): Likely pathogenic (1 of 4 stars; one submission).

Conditions:
LAMA3-related disorder. Also called: LAMA3-related condition; LAMA3-related disorders.

Submission:

PreventionGenetics, part of Exact Sciences
Classification: Likely pathogenic for LAMA3-related condition. Last evaluated: 2023-03-24. Review status: criteria provided, single submitter. Criteria: ACMG Guidelines, 2015. Collection method: clinical testing. Allele origin: germline.
Comment: The LAMA3 c.2868_2875del8 variant is predicted to result in a frameshift and premature protein termination (p.Asp956Glufs*2). To our knowledge, this variant has not been reported in the literature or in a large population database, indicating this variant is rare. Frameshift variants in LAMA3 are expected to be pathogenic. This variant is interpreted as pathogenic.